The following is an entry in ClinVar:

NM_001009944.3(PKD1):c.6001C>T (p.Arg2001Trp)

Gene: PKD1 (polycystin 1, transient receptor potential channel interacting; minus strand). Cytogenetic location: 16p13.3.
Variant type: single nucleotide variant.
Coding change: c.6001C>T on transcript NM_001009944.3 (MANE Select); coding-DNA position 6001, C replaced by T.
Protein change: p.Arg2001Trp; replaces arginine 2001 with tryptophan.
Molecular consequence: missense variant.
Genome position (GRCh38, 1-based): chr16:2,109,166, G>A on the plus strand (C>T on the coding strand, the complement: PKD1 is on the minus strand). VCF-style: chr16-2109166-G-A. GRCh37 (hg19) VCF-style: chr16-2159167-G-A.
Other names: c.6001C>T, p.Arg2001Trp (NM_000296.4); short protein forms R2001W.
Identifiers: ClinVar variation 1700420 (VCV001700420.3), dbSNP rs773069152, ClinGen allele CA7831768.

ClinVar aggregate classification (germline): Uncertain significance. Review status: criteria provided, multiple submitters, no conflicts (2 of 4 stars). 2 submissions from 2 submitters: Uncertain significance (2). Last evaluated 2024-05-09.

Conditions:
Polycystic kidney disease, adult type (PKD1). Also called: Polycystic Kidney Disease 1, Autosomal Dominant; Polycystic kidney disease 1; Polycystic kidney disease 1, severe; Polycystic Kidney, Autosomal Dominant; POLYCYSTIC KIDNEY DISEASE 1 WITH OR WITHOUT POLYCYSTIC LIVER DISEASE; POLYCYSTIC KIDNEY DISEASE, ADULT, TYPE I. Identifiers: MedGen C3149841, MONDO:0008263, OMIM 173900.

Allele frequency attached by ClinVar (database versions not stated): ExAC 0.00002; TOPMed 0.00002; gnomAD 0.00003; gnomAD exomes 0.00003.
gnomAD v4.1: 41 of 1,600,436 alleles (0.0026%); highest among the groups gnomAD compares: East Asian, 0.0067%; no homozygotes.

Submissions (2):

Fulgent Genetics
Classification: Uncertain significance for Polycystic kidney disease, adult type. Last evaluated: 2024-05-09. Review status: criteria provided, single submitter. Criteria: ACMG Guidelines, 2015. Collection method: clinical testing. Allele origin: germline.

GeneDx
Classification: Uncertain significance. Last evaluated: 2022-02-08. Review status: criteria provided, single submitter. Criteria: GeneDx Variant Classification Process June 2021. Collection method: clinical testing. Allele origin: germline. Affected: yes.
Comment: In silico analysis supports that this missense variant has a deleterious effect on protein structure/function; Has not been previously published as pathogenic or benign to our knowledge